The following is an entry in ClinVar:

NM_000344.4(SMN1):c.346A>T (p.Ile116Phe)

Gene: SMN1 (survival of motor neuron 1, telomeric). Cytogenetic location: 5q13.2.
Variant type: single nucleotide variant.
Coding change: c.346A>T on transcript NM_000344.4 (MANE Select); coding-DNA position 346, A replaced by T.
Protein change: p.Ile116Phe; replaces isoleucine 116 with phenylalanine.
Molecular consequence: missense variant.
Genome position (GRCh38, 1-based): chr5:70,942,430, A>T. VCF-style: chr5-70942430-A-T. GRCh37 (hg19) VCF-style: chr5-70238257-A-T.
Other names: c.346A>T, p.Ile116Phe (NM_001297715.1, NM_022874.2); short protein forms I116F.
Identifiers: ClinVar variation 9179 (VCV000009179.4), dbSNP rs104893933, ClinGen allele CA254696.

ClinVar aggregate classification (germline): Pathogenic. Review status: criteria provided, multiple submitters, no conflicts (2 of 4 stars). 3 submissions from 3 submitters: Pathogenic (2). 1 of the submissions does not count toward it. Last evaluated 2023-06-27.

Conditions:
Werdnig-Hoffmann disease (SMA1). Also called: MUSCULAR ATROPHY, INFANTILE; HMN (Hereditary Motor Neuropathy) Proximal Type I; SMA I; SMA, INFANTILE ACUTE FORM. Identifiers: Orphanet 83330, MedGen C5848259, MONDO:0009669, OMIM 253300. Disease mechanism: loss of function.

Submissions (3):

Revvity Omics, Revvity
Classification: Pathogenic. Last evaluated: 2023-06-27. Review status: criteria provided, single submitter. Criteria: ACMG Guidelines, 2015. Collection method: clinical testing. Allele origin: germline.

Athena Diagnostics
Classification: Pathogenic. Last evaluated: 2021-06-14. Review status: criteria provided, single submitter. Criteria: Athena Diagnostics Criteria. Collection method: clinical testing. Allele origin: unknown.
Comment: Frequency data for this variant in the general population cannot be distinguished from that of the SMN2 gene, and is therefore uninformative in assessment of variant pathogenicity (Genome Aggregation Database (gnomAD), Cambridge, MA (URL)). Assessment of experimental evidence suggests this variant results in abnormal protein function. Studies indicate this variant leads to defective Sm core assembly (PMID: 16301532, 29982416). In multiple individuals, this variant has been seen with a single recessive pathogenic variant in the same gene, suggesting this variant may also be pathogenic. The variant is located in a region that is considered important for protein function and/or structure.

OMIM
Classification: Pathogenic for SPINAL MUSCULAR ATROPHY, TYPE I. Last evaluated: 2013-02-15. Review status: no assertion criteria provided. Collection method: literature only. Allele origin: germline. Not counted in ClinVar's aggregate classification.

Literature cited by the submitters: PubMed 15249625 (cited by Athena Diagnostics and OMIM); PubMed 23136128 (cited by Athena Diagnostics and OMIM); PubMed 28570645 (cited by Athena Diagnostics); PubMed 29982416 (cited by Athena Diagnostics); PubMed 19050931 (cited by Athena Diagnostics); PubMed 21329463 (cited by Athena Diagnostics); PubMed 31156382 (cited by Athena Diagnostics); PubMed 16301532 (cited by Athena Diagnostics); PubMed 17998247 (cited by Athena Diagnostics); PubMed 22101937 (cited by Athena Diagnostics); PubMed 21209906 (cited by Athena Diagnostics).